The following is an entry in ClinVar:

ClinVar aggregate classification (germline): Uncertain significance (1 of 4 stars; one submission).

Submission:

GeneDx
Classification: Uncertain significance. Last evaluated: 2024-10-28. Review status: criteria provided, single submitter. Criteria: GeneDx Variant Classification Process June 2021. Collection method: clinical testing. Allele origin: germline. Affected: yes.
Comment: Not observed at significant frequency in large population cohorts (gnomAD); In silico analysis indicates that this missense variant does not alter protein structure/function; Has not been previously published as pathogenic or benign to our knowledge

NM_003076.5(SMARCD1):c.669A>C (p.Lys223Asn)

Gene: SMARCD1 (SWI/SNF related BAF chromatin remodeling complex subunit D1; plus strand). Cytogenetic location: 12q13.12.
Variant type: single nucleotide variant.
Coding change: c.669A>C on transcript NM_003076.5 (MANE Select); coding-DNA position 669, A replaced by C.
Protein change: p.Lys223Asn; replaces lysine 223 with asparagine.
Molecular consequence: missense variant.
Genome position (GRCh38, 1-based): chr12:50,088,535, A>C. VCF-style: chr12-50088535-A-C. GRCh37 (hg19) VCF-style: chr12-50482318-A-C.
Other names: c.669A>C, p.Lys223Asn (NM_139071.3); short protein forms K223N.
Identifiers: ClinVar variation 3893601 (VCV003893601.1).
Genomic context (GRCh38, chr12:50,088,535, plus strand): 5'-TTTCTTCTGGCCTTTCCTAATGTGATTTTTATTTTCTCTCCTCTAGTCAGCCTTGTCCAA[A>C]TATGATGCCACTAAACAAAAGAGGAAGTTCTCTTCCTTTTTTAAGTCCTTGGTGATTGAA-3'
Protein context (NP_003067.3, residues 213-233): GRLLEDSALS[Lys223Asn]YDATKQKRKF